The following is an entry in ClinVar:

ClinVar aggregate classification (germline): Uncertain significance (1 of 4 stars; one submission).

Submission:

Labcorp Genetics (formerly Invitae), Labcorp
Classification: Uncertain significance. Last evaluated: 2022-11-19. Review status: criteria provided, single submitter. Criteria: Invitae Variant Classification Sherloc (09022015). Collection method: clinical testing. Allele origin: unknown.
Comment: In summary, the available evidence is currently insufficient to determine the role of this variant in disease. Therefore, it has been classified as a Variant of Uncertain Significance. This variant has not been reported in the literature in individuals affected with IFT88-related conditions. This variant results in a copy number gain of the genomic region encompassing exon(s) 1-22 of the IFT88 gene. This region includes the initiator codon of the gene. This copy number gain extends beyond the assayed region for this gene and therefore may encompass additional genes. As the precise location of this event is unknown, it may be in tandem or it may be located elsewhere in the genome.

NC_000013.10:g.(?_20716120)_(21219117_?)dup

Genes: CRYL1 (crystallin lambda 1; minus strand), GJA3 (gap junction protein alpha 3; minus strand), GJB2 (gap junction protein beta 2; minus strand), GJB6 (gap junction protein beta 6; minus strand), IFT88 (intraflagellar transport 88; plus strand). Cytogenetic location: 13q12.11.
Variant type: Duplication.
Identifiers: ClinVar variation 3244228 (VCV003244228.1).